The following is an entry in ClinVar:

ClinVar aggregate classification (germline): Likely benign (1 of 4 stars; one submission).

Allele frequency attached by ClinVar (database versions not stated): gnomAD exomes 0.00019; ExAC 0.00052; gnomAD 0.00141; TOPMed 0.00160; ESP Exome Variant Server 0.00162; 1000 Genomes Project 0.00260; 1000 Genomes Project 30x 0.00265.
gnomAD v4.1: 525 of 1,612,752 alleles (0.033%); highest among the groups gnomAD compares: African/African-American, 0.58%; 5 homozygotes.

Submission:

CeGaT Center for Human Genetics Tuebingen
Classification: Likely benign. Last evaluated: 2022-04-01. Review status: criteria provided, single submitter. Criteria: CeGaT Center For Human Genetics Tuebingen Variant Classification Criteria Version 2. Collection method: clinical testing. Allele origin: germline. Affected: yes. Observed: 1 variant allele.
Comment: NAALAD2: BP4, BP7

NM_005467.4(NAALAD2):c.1998C>T (p.Ile666=)

Gene: NAALAD2 (N-acetylated alpha-linked acidic dipeptidase 2; plus strand). Cytogenetic location: 11q14.3.
Variant type: single nucleotide variant.
Coding change: c.1998C>T on transcript NM_005467.4 (MANE Select); coding-DNA position 1998, C replaced by T.
Protein change: p.Ile666=; no amino-acid change (isoleucine 666 retained).
Molecular consequence: synonymous variant.
Genome position (GRCh38, 1-based): chr11:90,182,973, C>T. VCF-style: chr11-90182973-C-T. GRCh37 (hg19) VCF-style: chr11-89916141-C-T.
Other names: c.1899C>T, p.Ile633= (NM_001300930.2).
Identifiers: ClinVar variation 2642265 (VCV002642265.24), dbSNP rs150623641, ClinGen allele CA6225495.